The following is an entry in ClinVar:

NM_005228.5(EGFR):c.1881-689G>T

Gene: EGFR (epidermal growth factor receptor; plus strand). Cytogenetic location: 7p11.2.
Variant type: single nucleotide variant.
Coding change: c.1881-689G>T on transcript NM_005228.5 (MANE Select); 689 bases into the intron before coding-DNA position 1881, G replaced by T.
Molecular consequence: intron variant. On other transcripts: missense variant (1).
Genome position (GRCh38, 1-based): chr7:55,170,486, G>T. VCF-style: chr7-55170486-G-T. GRCh37 (hg19) VCF-style: chr7-55238179-G-T.
Other names: c.2060G>T, p.Ser687Ile (NM_201284.2); c.1746-689G>T (NM_001346899.2, NM_001346897.2); c.1080-689G>T (NM_001346941.2); c.1881-689G>T (NM_001346898.2); c.1722-689G>T (NM_001346900.2); short protein forms S687I.
Identifiers: ClinVar variation 3036197 (VCV003036197.2), dbSNP rs751185812, ClinGen allele CA4265816.
Genomic context (GRCh38, chr7:55,170,486, plus strand): 5'-GCTTAGGATGGATCCCTTCTCTTCTGCCGTCAGAGTTTCAGCTGGGTTGGGGTGGATGCA[G>T]CCACCTCCATGCCTGGCCTTCTGCATCTGTGATCATCACGGCCTCCTCCTGCCACTGAGC-3'

ClinVar aggregate classification (germline): Uncertain significance (0 of 4 stars; one submission).

Conditions:
EGFR-related disorder. Also called: EGFR-related condition.

Allele frequency attached by ClinVar (database versions not stated): gnomAD 0.00001; gnomAD exomes 0.00003; TOPMed 0.00003; ExAC 0.00015.
gnomAD v4.1: 42 of 1,613,882 alleles (0.0026%); highest among the groups gnomAD compares: Admixed American, 0.067%; no homozygotes.

Submission:

PreventionGenetics, part of Exact Sciences
Classification: Uncertain significance for EGFR-related condition. Last evaluated: 2023-10-18. Review status: no assertion criteria provided. Collection method: clinical testing. Allele origin: germline.
Comment: The EGFR c.2060G>T variant is predicted to result in the amino acid substitution p.Ser687Ile. To our knowledge, this variant has not been reported in the literature. This variant is reported in 0.10% of alleles in individuals of Latino descent in gnomAD. Although we suspect that this variant may be benign, at this time, the clinical significance of this variant is uncertain due to the absence of conclusive functional and genetic evidence.